The following is an entry in ClinVar:

NM_145725.3(TRAF3):c.570+5G>A

Gene: TRAF3 (TNF receptor associated factor 3; plus strand). Cytogenetic location: 14q32.32.
Variant type: single nucleotide variant.
Coding change: c.570+5G>A on transcript NM_145725.3 (MANE Select); 5 bases into the intron after coding-DNA position 570, G replaced by A.
Molecular consequence: intron variant.
Genome position (GRCh38, 1-based): chr14:102,876,530, G>A. VCF-style: chr14-102876530-G-A. GRCh37 (hg19) VCF-style: chr14-103342867-G-A.
Other names: c.570+5G>A (NM_001385142.1, NM_145726.3, NM_001385143.1 and 2 more transcripts).
Identifiers: ClinVar variation 2725897 (VCV002725897.3), dbSNP rs904825937, ClinGen allele CA267129033.
Genomic context (GRCh38, chr14:102,876,530, plus strand): 5'-ACCGGGAAGCCACATGCAGCCACTGCAAGAGTCAGGTTCCGATGATCGCGCTGCAGGTGC[G>A]GGTCCTCCCATTCCACAGGCCTTCCACTCAATTCCTATATGATACATTCCACAGGCCTTC-3'

ClinVar aggregate classification (germline): Uncertain significance (1 of 4 stars; one submission).

Conditions:
Immunodeficiency 132A. Also called: Herpes simplex encephalitis, susceptibility to, 3. Identifiers: Orphanet 1930, MedGen C3553868, MONDO:0013920, OMIM 614849.

Allele frequency attached by ClinVar (database versions not stated): gnomAD 0.00001; TOPMed 0.00001.
gnomAD v4.1: 9 of 1,612,588 alleles (0.00056%); highest among the groups gnomAD compares: South Asian, 0.0011%; no homozygotes.

Submission:

Labcorp Genetics (formerly Invitae), Labcorp
Classification: Uncertain significance for Immunodeficiency 132A. Last evaluated: 2023-12-26. Review status: criteria provided, single submitter. Criteria: Invitae Variant Classification Sherloc (09022015). Collection method: clinical testing. Allele origin: germline.
Comment: This sequence change falls in intron 5 of the TRAF3 gene. It does not directly change the encoded amino acid sequence of the TRAF3 protein. It affects a nucleotide within the consensus splice site. This variant is present in population databases (no rsID available, gnomAD 0.008%). This variant has not been reported in the literature in individuals affected with TRAF3-related conditions. Variants that disrupt the consensus splice site are a relatively common cause of aberrant splicing (PMID: 17576681, 9536098). Algorithms developed to predict the effect of sequence changes on RNA splicing suggest that this variant may disrupt the consensus splice site. In summary, the available evidence is currently insufficient to determine the role of this variant in disease. Therefore, it has been classified as a Variant of Uncertain Significance.

Literature cited by the submitters: PubMed 17576681; PubMed 9536098.